The following is an entry in ClinVar:

NM_006846.4(SPINK5):c.2891C>A (p.Ala964Glu)

Gene: SPINK5 (serine peptidase inhibitor Kazal type 5; plus strand). Cytogenetic location: 5q32.
Variant type: single nucleotide variant.
Coding change: c.2891C>A on transcript NM_006846.4 (MANE Select); coding-DNA position 2891, C replaced by A.
Protein change: p.Ala964Glu; replaces alanine 964 with glutamic acid.
Molecular consequence: missense variant.
Genome position (GRCh38, 1-based): chr5:148,127,006, C>A. VCF-style: chr5-148127006-C-A. GRCh37 (hg19) VCF-style: chr5-147506569-C-A.
Other names: c.2981C>A, p.Ala994Glu (NM_001127698.2); short protein forms A964E, A994E.
Identifiers: ClinVar variation 1299426 (VCV001299426.1), dbSNP rs1754449328, ClinGen allele CA361650633.

ClinVar aggregate classification (germline): Uncertain significance (1 of 4 stars; one submission).

Conditions:
Netherton syndrome (NETH). Also called: ERYTHRODERMA, ICHTHYOSIFORM, WITH HYPOTRICHOSIS AND HYPER-IgE; COMEL-NETHERTON SYNDROME; NETHERTON DISEASE. Identifiers: Orphanet 634, MedGen C5574950, MONDO:0009735, OMIM 256500.

Allele frequency attached by ClinVar (database versions not stated): TOPMed below 0.00001.

Submission:

Breda Genetics srl
Classification: Uncertain significance for Netherton syndrome. Last evaluated: 2021-05-24. Review status: criteria provided, single submitter. Criteria: ACMG Guidelines, 2015. Collection method: clinical testing. Allele origin: germline. Inheritance: Autosomal recessive inheritance. Affected: yes. Observed: 1 variant allele, 1 heterozygote.
Comment: Based on allele frequency, in-silico prediction scores and a certain overlap with the clinical phenotype, we interpreted this variant at least as of uncertain significance. The lack of one or more of the following features has discouraged further investigations: lack of a possible second hit in autosomal recessive conditions, presence of healthy controls in databases for autosomal dominant conditions, presence of unmatching cardinal clinical features in the patient or in the known gene-disease association, and/or variant type outside the known gene mutational spectrum.